The following is an entry in ClinVar:

ClinVar aggregate classification (germline): Uncertain significance (1 of 4 stars; one submission).

Conditions:
Anterior segment dysgenesis. Also called: Ocular anterior segment dysgenesis. Identifiers: Orphanet 88632, MedGen C1862839, MONDO:0019503, HP:0007700.
Congenital primary aphakia. Also called: Anterior segment dysgenesis 2, multiple subtypes; ANTERIOR SEGMENT DYSGENESIS 2. Identifiers: Orphanet 83461, MedGen C1853230, MONDO:0012456, OMIM 610256.

Allele frequency attached by ClinVar (database versions not stated): gnomAD 0.00001.

Submission:

Labcorp Genetics (formerly Invitae), Labcorp
Classification: Uncertain significance for Anterior segment dysgenesis; Congenital primary aphakia. Last evaluated: 2024-05-28. Review status: criteria provided, single submitter. Criteria: Invitae Variant Classification Sherloc (09022015). Collection method: clinical testing. Allele origin: germline.
Comment: This sequence change replaces arginine, which is basic and polar, with proline, which is neutral and non-polar, at codon 65 of the FOXE3 protein (p.Arg65Pro). This variant is not present in population databases (gnomAD no frequency). This variant has not been reported in the literature in individuals affected with FOXE3-related conditions. Advanced modeling of protein sequence and biophysical properties (such as structural, functional, and spatial information, amino acid conservation, physicochemical variation, residue mobility, and thermodynamic stability) has been performed at Invitae for this missense variant, however the output from this modeling did not meet the statistical confidence thresholds required to predict the impact of this variant on FOXE3 protein function. In summary, the available evidence is currently insufficient to determine the role of this variant in disease. Therefore, it has been classified as a Variant of Uncertain Significance.

NM_012186.3(FOXE3):c.194G>C (p.Arg65Pro)

Genes: FOXE3 (forkhead box E3; plus strand), LINC01389 (long independently transcribed non-coding RNA 1389; minus strand). Cytogenetic location: 1p33.
Variant type: single nucleotide variant.
Coding change: c.194G>C on transcript NM_012186.3 (MANE Select); coding-DNA position 194, G replaced by C.
Protein change: p.Arg65Pro; replaces arginine 65 with proline.
Molecular consequence: missense variant.
Genome position (GRCh38, 1-based): chr1:47,416,509, G>C. VCF-style: chr1-47416509-G-C. GRCh37 (hg19) VCF-style: chr1-47882181-G-C.
Other names: short protein forms R65P.
Identifiers: ClinVar variation 2939475 (VCV002939475.3), dbSNP rs1646883510, ClinGen allele CA340249216.
Genomic context (GRCh38, chr1:47,416,509, plus strand): 5'-CGGCTGGCCGCGGAGAGGCGGCCCCCACGCCCGCGCCCGGCCCGGGGCGGCGGCGGCGGC[G>C]GCCCCTGCAGCGCGGGAAGCCGCCCTACTCGTACATCGCGCTCATCGCCATGGCTCTGGC-3'
Protein context (NP_036318.1, residues 55-75): PAPGPGRRRR[Arg65Pro]PLQRGKPPYS